The following is an entry in ClinVar:

NM_000059.4(BRCA2):c.8010G>A (p.Ser2670=)

Gene: BRCA2 (BRCA2 DNA repair associated; plus strand). Cytogenetic location: 13q13.1.
Variant type: single nucleotide variant.
Coding change: c.8010G>A on transcript NM_000059.4 (MANE Select); coding-DNA position 8010, G replaced by A.
Protein change: p.Ser2670=; no amino-acid change (serine 2670 retained).
Molecular consequence: synonymous variant.
Genome position (GRCh38, 1-based): chr13:32,363,212, G>A. VCF-style: chr13-32363212-G-A. GRCh37 (hg19) VCF-style: chr13-32937349-G-A.
Other names: NP_000050.3:p.Ser2670=.
Identifiers: ClinVar variation 183837 (VCV000183837.85), dbSNP rs146430937, ClinGen allele CA025404.

ClinVar aggregate classification (germline): Likely benign. Review status: reviewed by expert panel (3 of 4 stars). 23 submissions from 23 submitters: Likely benign (1). 22 of the submissions do not count toward it. Last evaluated 2017-06-29.

Conditions:
BRCA2-related disorder. Also called: BRCA2-related condition; BRCA2-related disorders. Identifiers: MedGen CN239275.
Breast and/or ovarian cancer. Identifiers: MedGen CN221562.
Hereditary cancer-predisposing syndrome. Also called: Tumor predisposition; Neoplastic Syndromes, Hereditary; Hereditary Cancer Syndrome; Hereditary neoplastic syndrome. Identifiers: Orphanet 140162, MedGen C0027672, MeSH D009386, MONDO:0015356.
Hereditary breast ovarian cancer syndrome. Also called: Hereditary breast and ovarian cancer; Hereditary breast and ovarian cancer syndrome (HBOC); Breast and ovarian cancer; Hereditary breast and/or ovarian cancer syndrome; BRCA1- and BRCA2-Associated Hereditary Breast and Ovarian Cancer; Hereditary breast and ovarian cancer syndrome. Identifiers: Orphanet 145, MedGen C0677776, MeSH D061325, MONDO:0003582. Disease mechanism: loss of function.
Breast-ovarian cancer, familial, susceptibility to, 2 (BROVCA2). Also called: BRCA2 Hereditary Breast and Ovarian Cancer. Identifiers: Orphanet 145, MedGen C2675520, MONDO:0012933, OMIM 612555. Disease mechanism: loss of function.

Allele frequency attached by ClinVar (database versions not stated): gnomAD 0.00003 and 0.00005; TOPMed 0.00004; gnomAD exomes 0.00005 and 0.00007; ExAC 0.00009; 1000 Genomes Project 30x 0.00016; 1000 Genomes Project 0.00020; ESP Exome Variant Server 0.00023.
gnomAD v4.1: 82 of 1,613,642 alleles (0.0051%); highest among the groups gnomAD compares: Middle Eastern, 0.033%; 1 homozygote.

Submissions 1 to 19 of 23:

Evidence-based Network for the Interpretation of Germline Mutant Alleles (ENIGMA)
Classification: Likely benign for Breast-ovarian cancer, familial, susceptibility to, 2. Last evaluated: 2017-06-29. Review status: reviewed by expert panel. Criteria: ENIGMA BRCA1/2 Classification Criteria (2017-06-29). Collection method: curation. Allele origin: germline.
Comment: Synonymous substitution variant, with low bioinformatic likelihood to result in a splicing aberration (Splicing prior probability 0.02).

Labcorp Genetics (formerly Invitae), Labcorp
Classification: Benign for Hereditary breast ovarian cancer syndrome. Last evaluated: 2026-01-31. Review status: criteria provided, single submitter. Criteria: Invitae Variant Classification Sherloc (09022015). Collection method: clinical testing. Allele origin: germline. Not counted in ClinVar's aggregate classification.

Quest Diagnostics Nichols Institute San Juan Capistrano
Classification: Benign. Last evaluated: 2025-04-18. Review status: criteria provided, single submitter. Criteria: Quest Diagnostics criteria. Collection method: clinical testing. Allele origin: unknown. Not counted in ClinVar's aggregate classification.

Center for Genomic Medicine, Rigshospitalet, Copenhagen University Hospital
Classification: Likely benign. Last evaluated: 2025-03-04. Review status: criteria provided, single submitter. Criteria: ACMG Guidelines, 2015. Collection method: clinical testing. Allele origin: germline. Not counted in ClinVar's aggregate classification.

Molecular Diagnostics Laboratory, Catalan Institute of Oncology
Classification: Likely benign for Hereditary cancer-predisposing syndrome. Last evaluated: 2024-12-02. Review status: criteria provided, single submitter. Criteria: ACMG Guidelines, 2015. Collection method: clinical testing. Allele origin: germline. Not counted in ClinVar's aggregate classification.
Comment: BS1_Supporting, BP4, BP7 c.8010G>A, located in a (potentially) clinically important functional domain of BRCA2, is predicted to result in no splicing alteration (according to SpliceAI) and no amino acid change, p.(Ser2670=) (BP4, BP7). The variant allele was found in 14/117809 alleles, with a filter allele frequency of 0,006% at 99% confidence, within the European (non-Finnish) population in the gnomAD v2.1.1 database (non-cancer data set) (BS1_Supporting). To our knowledge, neither relevant clinical data nor well-stablished functional studies have been reported for this variant. In addition, the variant was also identified in the following databases: BRCA Exchange (Likely benign: Synonymous substitution variant, with low bioinformatic likelihood to result in a splicing aberration (Splicing prior probability 0.02)), ClinVar (3x benign, 15x likely benign, 1x uncertain significance) and LOVD (1x benign, 5x likely benign, 10x uncertain significance). Based on currently available information, the variant c.8010G>A should be considered a likely benign variant.

CeGaT Center for Human Genetics Tuebingen
Classification: Likely benign. Last evaluated: 2024-12-01. Review status: criteria provided, single submitter. Criteria: CeGaT Center For Human Genetics Tuebingen Variant Classification Criteria Version 2. Collection method: clinical testing. Allele origin: germline. Affected: yes. Observed: 1 variant allele. Not counted in ClinVar's aggregate classification.
Comment: BRCA2: BP4, BP7

Blueprint Genetics
Classification: Likely benign. Last evaluated: 2023-09-18. Review status: criteria provided, single submitter. Criteria: ACMG Guidelines, 2015. Collection method: clinical testing. Allele origin: germline. Not counted in ClinVar's aggregate classification.

KCCC/NGS Laboratory, Kuwait Cancer Control Center
Classification: Likely benign for Breast-ovarian cancer, familial, susceptibility to, 2. Last evaluated: 2023-07-07. Review status: criteria provided, single submitter. Criteria: ACMG Guidelines, 2015. Collection method: clinical testing. Allele origin: germline. Affected: yes. Not counted in ClinVar's aggregate classification.

CHEO Genetics Diagnostic Laboratory, Children's Hospital of Eastern Ontario
Classification: Likely benign for Breast and/or ovarian cancer. Last evaluated: 2023-05-24. Review status: criteria provided, single submitter. Criteria: ACMG Guidelines, 2015. Collection method: clinical testing. Allele origin: germline. Not counted in ClinVar's aggregate classification.

ARUP Laboratories, Molecular Genetics and Genomics, ARUP Laboratories
Classification: Likely benign. Last evaluated: 2022-12-27. Review status: criteria provided, single submitter. Criteria: ARUP Molecular Germline Variant Investigation Process 2024. Collection method: clinical testing. Allele origin: germline. Not counted in ClinVar's aggregate classification.

National Health Laboratory Service, Universitas Academic Hospital and University of the Free State
Classification: Likely benign for Hereditary breast ovarian cancer syndrome. Last evaluated: 2022-04-19. Review status: criteria provided, single submitter. Criteria: ACMG Guidelines, 2015. Collection method: clinical testing. Allele origin: germline. Affected: yes. Observed: 18 variant alleles. Not counted in ClinVar's aggregate classification.

Sema4
Classification: Likely benign for Hereditary cancer-predisposing syndrome. Last evaluated: 2021-02-19. Review status: criteria provided, single submitter. Criteria: Sema4 Curation Guidelines. Collection method: curation. Allele origin: germline. Not counted in ClinVar's aggregate classification.

Women's Health and Genetics/Laboratory Corporation of America, LabCorp
Classification: Likely benign. Last evaluated: 2017-05-22. Review status: criteria provided, single submitter. Criteria: LabCorp Variant Classification Summary - May 2015. Collection method: clinical testing. Allele origin: germline. Not counted in ClinVar's aggregate classification.
Comment: Variant summary: The BRCA2 c.8010G>A (p.Ser2670Ser) variant involves the alteration of a non-conserved nucleotide, resulting in a synonymous change. One in silico tool predicts a damaging outcome for this variant. 4/5 splice prediction tools predict no significant impact on normal splicing. However, these predictions have yet to be confirmed by functional studies. This variant was found in 11/120304 control chromosomes at a frequency of 0.0000914, which does not exceed the estimated maximal expected allele frequency of a pathogenic BRCA2 variant (0.0007503). The variant has been reported in the literature, without strong evidence for causality. In addition, multiple clinical diagnostic laboratories/reputable databases classified this variant as likely benign/benign, with one database citing the variant to co-occur with a pathogenic BRCA1 variant in one individual (BRCA1 c.3228_3229delAG (p.Gly1077AlafsX8)). Taken together, this variant is classified as likely benign.

Color Diagnostics, LLC DBA Color Health
Classification: Benign for Hereditary cancer-predisposing syndrome. Last evaluated: 2016-03-06. Review status: criteria provided, single submitter. Criteria: ACMG Guidelines, 2015. Collection method: clinical testing. Allele origin: germline. Not counted in ClinVar's aggregate classification.

GeneDx
Classification: Benign. Last evaluated: 2015-05-29. Review status: criteria provided, single submitter. Criteria: GeneDx Variant Classification (06012015). Collection method: clinical testing. Allele origin: germline. Affected: yes. Not counted in ClinVar's aggregate classification.
Comment: This variant is considered likely benign or benign based on one or more of the following criteria: it is a conservative change, it occurs at a poorly conserved position in the protein, it is predicted to be benign by multiple in silico algorithms, and/or has population frequency not consistent with disease.

Ambry Genetics
Classification: Likely benign for Hereditary cancer-predisposing syndrome. Last evaluated: 2014-11-04. Review status: criteria provided, single submitter. Criteria: Ambry Variant Classification Scheme 2023. Collection method: clinical testing. Allele origin: germline. Not counted in ClinVar's aggregate classification.

PreventionGenetics, part of Exact Sciences
Classification: Likely benign for BRCA2-related condition. Last evaluated: 2024-02-07. Review status: no assertion criteria provided. Collection method: clinical testing. Allele origin: germline. Not counted in ClinVar's aggregate classification.
Comment: This variant is classified as likely benign based on ACMG/AMP sequence variant interpretation guidelines (Richards et al. 2015 PMID: 25741868, with internal and published modifications).

Institute for Biomarker Research, Medical Diagnostic Laboratories, L.L.C.
Classification: Likely benign for Hereditary breast ovarian cancer syndrome. Last evaluated: 2021-09-15. Review status: no assertion criteria provided. Collection method: clinical testing. Allele origin: germline. Not counted in ClinVar's aggregate classification.

Counsyl
Classification: Uncertain significance for Breast-ovarian cancer, familial, susceptibility to, 2. Last evaluated: 2017-04-05. Review status: no assertion criteria provided. Collection method: clinical testing. Allele origin: unknown. Not counted in ClinVar's aggregate classification.